The following is an entry in ClinVar:

NM_020297.4(ABCC9):c.2049T>A (p.Ser683Arg)

Gene: ABCC9 (ATP binding cassette subfamily C member 9; minus strand). Cytogenetic location: 12p12.1.
Variant type: single nucleotide variant.
Coding change: c.2049T>A on transcript NM_020297.4 (MANE Select); coding-DNA position 2049, T replaced by A.
Protein change: p.Ser683Arg; replaces serine 683 with arginine.
Molecular consequence: missense variant.
Genome position (GRCh38, 1-based): chr12:21,875,697, A>T on the plus strand (T>A on the coding strand, the complement: ABCC9 is on the minus strand). VCF-style: chr12-21875697-A-T. GRCh37 (hg19) VCF-style: chr12-22028631-A-T.
Other names: c.2049T>A, p.Ser683Arg (NM_001377273.1, NM_005691.4); c.1185T>A, p.Ser395Arg (NM_001377274.1); short protein forms S395R, S683R.
Identifiers: ClinVar variation 5018454 (VCV005018454.1).
Genomic context (GRCh38, chr12:21,875,697, plus strand): 5'-TAACAGATAACTCTTACCTGTTGGAATTCGAATATCTATATTGGATAATGTAGCTAAACC[A>T]CTGCCCCATGAAAAGTATCCATTTGTGACCTACAAAATAAAAATACAGAAATTAAATTAT-3'
Protein context (NP_064693.2, residues 673-693): KVTNGYFSWG[Ser683Arg]GLATLSNIDI

ClinVar aggregate classification (germline): Uncertain significance (1 of 4 stars; one submission).

Submission:

GeneDx
Classification: Uncertain significance. Last evaluated: 2026-04-07. Review status: criteria provided, single submitter. Criteria: GeneDx Variant Classification Process June 2021. Collection method: clinical testing. Allele origin: germline.
Comment: Not observed at significant frequency in large population cohorts (gnomAD); In silico analysis supports that this missense variant has a deleterious effect on protein structure/function; Has not been previously published as pathogenic or benign to our knowledge